The following is an entry in ClinVar:

NM_001364905.1(LRBA):c.3684T>C (p.Cys1228=)

Gene: LRBA (LPS responsive beige-like anchor protein; minus strand). Cytogenetic location: 4q31.3.
Variant type: single nucleotide variant.
Coding change: c.3684T>C on transcript NM_001364905.1 (MANE Select); coding-DNA position 3684, T replaced by C.
Protein change: p.Cys1228=; no amino-acid change (cysteine 1228 retained).
Molecular consequence: synonymous variant.
Genome position (GRCh38, 1-based): chr4:150,852,026, A>G on the plus strand (T>C on the coding strand, the complement: LRBA is on the minus strand). VCF-style: chr4-150852026-A-G. GRCh37 (hg19) VCF-style: chr4-151773178-A-G.
Other names: c.3684T>C, p.Cys1228= (NM_001199282.3, NM_001367550.1, NM_006726.5).
Identifiers: ClinVar variation 713203 (VCV000713203.14), dbSNP rs201219993, ClinGen allele CA3103008.

ClinVar aggregate classification (germline): Benign/Likely benign. Review status: criteria provided, multiple submitters, no conflicts (2 of 4 stars). 3 submissions from 3 submitters: Benign (1); Likely benign (1). 1 of the submissions does not count toward it. Last evaluated 2026-02-02.

Conditions:
Combined immunodeficiency due to LRBA deficiency. Also called: Common variable immunodeficiency 8, with autoimmunity. Identifiers: Orphanet 445018, MedGen C3553512, MONDO:0013863, OMIM 614700.
LRBA-related disorder. Also called: LRBA-related condition.

Allele frequency attached by ClinVar (database versions not stated): ESP Exome Variant Server 0.00008; gnomAD exomes 0.00027 and 0.00112; gnomAD 0.00032 and 0.00039; TOPMed 0.00051; ExAC 0.00101; 1000 Genomes Project 0.00160; 1000 Genomes Project 30x 0.00172.
gnomAD v4.1: 469 of 1,614,114 alleles (0.029%); highest among the groups gnomAD compares: East Asian, 0.95%; 2 homozygotes.

Submissions (3):

Labcorp Genetics (formerly Invitae), Labcorp
Classification: Benign for Combined immunodeficiency due to LRBA deficiency. Last evaluated: 2026-02-02. Review status: criteria provided, single submitter. Criteria: Invitae Variant Classification Sherloc (09022015). Collection method: clinical testing. Allele origin: germline.

Blueprint Genetics
Classification: Likely benign. Last evaluated: 2024-11-25. Review status: criteria provided, single submitter. Criteria: ACMG Guidelines, 2015. Collection method: clinical testing. Allele origin: germline.

PreventionGenetics, part of Exact Sciences
Classification: Benign for LRBA-related condition. Last evaluated: 2023-12-23. Review status: no assertion criteria provided. Collection method: clinical testing. Allele origin: germline. Not counted in ClinVar's aggregate classification.
Comment: This variant is classified as benign based on ACMG/AMP sequence variant interpretation guidelines (Richards et al. 2015 PMID: 25741868, with internal and published modifications).